The following is an entry in ClinVar:

NM_001253697.2(ERBIN):c.1903+6A>C

Gene: ERBIN (erbb2 interacting protein; plus strand). Cytogenetic location: 5q12.3.
Variant type: single nucleotide variant.
Coding change: c.1903+6A>C on transcript NM_001253697.2 (MANE Select); 6 bases into the intron after coding-DNA position 1903, A replaced by C.
Molecular consequence: intron variant.
Genome position (GRCh38, 1-based): chr5:66,048,787, A>C. VCF-style: chr5-66048787-A-C. GRCh37 (hg19) VCF-style: chr5-65344615-A-C.
Other names: c.1903+6A>C (NM_001006600.2, NM_001253699.2, NM_018695.4 and 2 more transcripts); c.1891+6A>C (NM_001253701.2).
Identifiers: ClinVar variation 3018927 (VCV003018927.5), dbSNP rs1234477990, ClinGen allele CA559854909.
Genomic context (GRCh38, chr5:66,048,787, plus strand): 5'-ATTGAAACCTCTATTAACCAGCCAAAAGTCGTAGCACTTAGTAATAACAAAAAAGGTTAG[A>C]TGTTAAAGGAAAGTGCTAAGAATAGAAATTGCCTCAATAAATTTATAAATTTTTTTGAAA-3'

ClinVar aggregate classification (germline): Uncertain significance. Review status: criteria provided, single submitter (1 of 4 stars). 2 submissions from 2 submitters: Uncertain significance (1). 1 of the submissions does not count toward it. Last evaluated 2024-10-28.

Conditions:
ERBIN-related disorder. Also called: ERBIN-related condition.

Allele frequency attached by ClinVar (database versions not stated): gnomAD 0.00001; TOPMed 0.00001.
gnomAD v4.1: 42 of 1,527,256 alleles (0.0028%); highest among the groups gnomAD compares: Non-Finnish European, 0.0036%; no homozygotes.

Submissions (2):

Labcorp Genetics (formerly Invitae), Labcorp
Classification: Uncertain significance. Last evaluated: 2024-10-28. Review status: criteria provided, single submitter. Criteria: Invitae Variant Classification Sherloc (09022015). Collection method: clinical testing. Allele origin: germline.
Comment: This sequence change falls in intron 19 of the ERBIN gene. It does not directly change the encoded amino acid sequence of the ERBIN protein. It affects a nucleotide within the consensus splice site. This variant is present in population databases (no rsID available, gnomAD 0.004%). This variant has not been reported in the literature in individuals affected with ERBIN-related conditions. Variants that disrupt the consensus splice site are a relatively common cause of aberrant splicing (PMID: 17576681, 9536098). Algorithms developed to predict the effect of sequence changes on RNA splicing suggest that this variant is not likely to affect RNA splicing. In summary, the available evidence is currently insufficient to determine the role of this variant in disease. Therefore, it has been classified as a Variant of Uncertain Significance.

PreventionGenetics, part of Exact Sciences
Classification: Likely benign for ERBIN-related condition. Last evaluated: 2022-03-10. Review status: no assertion criteria provided. Collection method: clinical testing. Allele origin: germline. Not counted in ClinVar's aggregate classification.
Comment: This variant is classified as likely benign based on ACMG/AMP sequence variant interpretation guidelines (Richards et al. 2015 PMID: 25741868, with internal and published modifications).

Literature cited by the submitters: PubMed 17576681 (cited by Labcorp Genetics (formerly Invitae), Labcorp); PubMed 9536098 (cited by Labcorp Genetics (formerly Invitae), Labcorp).